The following is an entry in ClinVar:

NM_032776.3(JMJD1C):c.4496C>T (p.Ala1499Val)

Gene: JMJD1C (jumonji domain containing 1C; minus strand). Cytogenetic location: 10q21.3.
Variant type: single nucleotide variant.
Coding change: c.4496C>T on transcript NM_032776.3 (MANE Select); coding-DNA position 4496, C replaced by T.
Protein change: p.Ala1499Val; replaces alanine 1499 with valine.
Molecular consequence: missense variant. On other transcripts: non-coding transcript variant (1).
Genome position (GRCh38, 1-based): chr10:63,207,173, G>A on the plus strand (C>T on the coding strand, the complement: JMJD1C is on the minus strand). VCF-style: chr10-63207173-G-A. GRCh37 (hg19) VCF-style: chr10-64966933-G-A.
Other names: c.3950C>T, p.Ala1317Val (NM_001282948.2, NM_001318154.2); c.3632C>T, p.Ala1211Val (NM_001318153.2); c.4382C>T, p.Ala1461Val (NM_001322252.2); c.3839C>T, p.Ala1280Val (NM_001322254.2, NM_001322258.2); short protein forms A1211V, A1280V, A1317V, A1461V, A1499V.
Identifiers: ClinVar variation 1001559 (VCV001001559.11), dbSNP rs1846728407, ClinGen allele CA377037249.
Genomic context (GRCh38, chr10:63,207,173, plus strand): 5'-TCCAGAGGAAGGGAGGCTGAAAGTGTCTGATTTTTTATAGCATTAGGTTCAGTCTCACTG[G>A]CATTACTACTTTTATACTGAGCTGCAGCCAATGCTGCCTTGTGCTTTTTTAAATGGATAA-3'
Protein context (NP_116165.1, residues 1489-1509): LAAAQYKSSN[Ala1499Val]SETEPNAIKN

ClinVar aggregate classification (germline): Uncertain significance (1 of 4 stars; one submission).

Conditions:
Early Myoclonic Encephalopathy. Identifiers: MedGen C0270855.

Submissions (2):

Labcorp Genetics (formerly Invitae), Labcorp
Classification: Uncertain significance for Early Myoclonic Encephalopathy. Last evaluated: 2022-04-05. Review status: criteria provided, single submitter. Criteria: Invitae Variant Classification Sherloc (09022015). Collection method: clinical testing. Allele origin: germline.
Comment: This sequence change replaces alanine, which is neutral and non-polar, with valine, which is neutral and non-polar, at codon 1499 of the JMJD1C protein (p.Ala1499Val). This variant is not present in population databases (gnomAD no frequency). This variant has not been reported in the literature in individuals affected with JMJD1C-related conditions. ClinVar contains an entry for this variant (Variation ID: 1001559). Algorithms developed to predict the effect of missense changes on protein structure and function output the following: SIFT: "Tolerated"; PolyPhen-2: "Benign"; Align-GVGD: "Class C0". The valine amino acid residue is found in multiple mammalian species, which suggests that this missense change does not adversely affect protein function. Algorithms developed to predict the effect of sequence changes on RNA splicing suggest that this variant may create or strengthen a splice site. In summary, the available evidence is currently insufficient to determine the role of this variant in disease. Therefore, it has been classified as a Variant of Uncertain Significance.

Dr. Peter K. Rogan Lab, Western University
No classification provided (evidence only). Condition: Squamous cell lung carcinoma. Review status: no classification provided. Collection method: in vitro. Allele origin: not applicable. Functional consequence: retained intron. Not counted in ClinVar's aggregate classification.